The following is an entry in ClinVar:

ClinVar aggregate classification (germline): Uncertain significance (1 of 4 stars; one submission).

Conditions:
Familial intrahepatic cholestasis. Identifiers: Orphanet 284385, MedGen CN296401, MONDO:0017290.

Submission:

Genomenon, Inc
Classification: Uncertain significance for Familial intrahepatic cholestasis. Last evaluated: 2026-04-14. Review status: criteria provided, single submitter. Criteria: Genomenon Sequence Variant Interpretation Standards - Updated. Collection method: curation. Allele origin: germline. Affected: yes.
Comment: ABCB4 p.Ala1151Val (c.3452_3453delinsTA) is a deletion-insertion variant that changes the amino acid at residue 1151 from Alanine to Valine. This variant has been observed in at least one proband with an ABCB4-related disorder (PMID:32917322). It is absent or not present at a significant frequency in gnomAD. In silico models predict that this variant is possibly or probably damaging. In conclusion, we classify ABCB4 p.Ala1151Val (c.3452_3453delinsTA) as a variant of uncertain significance.

Literature cited by the submitters: PubMed 32917322.

NM_000443.4(ABCB4):c.3452_3453delinsTA (p.Ala1151Val)

Gene: ABCB4 (ATP binding cassette subfamily B member 4; minus strand). Cytogenetic location: 7q21.12.
Variant type: Indel.
Coding change: c.3452_3453delinsTA on transcript NM_000443.4 (MANE Select); coding-DNA positions 3452 to 3453, CC replaced by TA.
Protein change: p.Ala1151Val; replaces alanine 1151 with valine.
Molecular consequence: missense variant.
Genome position (GRCh38, 1-based): chr7:87,406,321-87,406,322, GG replaced by TA on the plus strand (CC replaced by TA on the coding strand, the reverse complement: ABCB4 is on the minus strand). VCF-style: chr7-87406321-GG-TA. GRCh37 (hg19) VCF-style: chr7-87035637-GG-TA.
Other names: c.3473_3474delinsTA, p.Ala1158Val (NM_018849.3); c.3311_3312delinsTA, p.Ala1104Val (NM_018850.3); short protein forms A1104V, A1151V, A1158V.
Identifiers: ClinVar variation 4846385 (VCV004846385.1).